The following is an entry in ClinVar:

ClinVar aggregate classification (germline): Uncertain significance (1 of 4 stars; one submission).

Conditions:
Beckwith-Wiedemann syndrome (BWS). Also called: Exomphalos macroglossia gigantism syndrome; EMG SYNDROME. Identifiers: Orphanet 116, MedGen C0004903, MONDO:0007534, OMIM 130650.

Submission:

Labcorp Genetics (formerly Invitae), Labcorp
Classification: Uncertain significance for Beckwith-Wiedemann syndrome. Last evaluated: 2022-09-07. Review status: criteria provided, single submitter. Criteria: Invitae Variant Classification Sherloc (09022015). Collection method: clinical testing. Allele origin: germline.
Comment: This sequence change replaces leucine, which is neutral and non-polar, with proline, which is neutral and non-polar, at codon 238 of the CDKN1C protein (p.Leu238Pro). This variant is not present in population databases (gnomAD no frequency). This variant has not been reported in the literature in individuals affected with CDKN1C-related conditions. Algorithms developed to predict the effect of missense changes on protein structure and function are either unavailable or do not agree on the potential impact of this missense change (SIFT: "Tolerated"; PolyPhen-2: "Not Available"; Align-GVGD: "Class C0"). In summary, the available evidence is currently insufficient to determine the role of this variant in disease. Therefore, it has been classified as a Variant of Uncertain Significance.

NM_001122630.2(CDKN1C):c.680T>C (p.Leu227Pro)

Gene: CDKN1C (cyclin dependent kinase inhibitor 1C; minus strand). Cytogenetic location: 11p15.4.
Variant type: single nucleotide variant.
Coding change: c.680T>C on transcript NM_001122630.2 (MANE Select); coding-DNA position 680, T replaced by C.
Protein change: p.Leu227Pro; replaces leucine 227 with proline.
Molecular consequence: missense variant. On other transcripts: intron variant (1).
Genome position (GRCh38, 1-based): chr11:2,884,777, A>G on the plus strand (T>C on the coding strand, the complement: CDKN1C is on the minus strand). VCF-style: chr11-2884777-A-G. GRCh37 (hg19) VCF-style: chr11-2906007-A-G.
Other names: c.713T>C, p.Leu238Pro (NM_000076.2, NM_001362474.2); c.680T>C, p.Leu227Pro (NM_001122631.2); c.255+425T>C (NM_001362475.2); short protein forms L227P, L238P.
Identifiers: ClinVar variation 1719000 (VCV001719000.5), dbSNP rs2494384335, ClinGen allele CA379145747.